The following is an entry in ClinVar:

NM_001375567.1(FOCAD):c.2961G>A (p.Glu987=)

Gene: FOCAD (focadhesin; plus strand). Cytogenetic location: 9p21.3.
Variant type: single nucleotide variant.
Coding change: c.2961G>A on transcript NM_001375567.1 (MANE Select); coding-DNA position 2961, G replaced by A.
Protein change: p.Glu987=; no amino-acid change (glutamic acid 987 retained).
Molecular consequence: synonymous variant.
Genome position (GRCh38, 1-based): chr9:20,923,768, G>A. VCF-style: chr9-20923768-G-A. GRCh37 (hg19) VCF-style: chr9-20923767-G-A.
Other names: c.2856G>A, p.Glu952= (NM_001375568.1, NM_001375570.1); c.2961G>A, p.Glu987= (NM_017794.5).
Identifiers: ClinVar variation 3718839 (VCV003718839.2).
Genomic context (GRCh38, chr9:20,923,768, plus strand): 5'-TGCTGTCGTCGTATCTAGACATGAAGCCAGCCTCTCCTCAGACTCTGACGGGCTCCTGGA[G>A]GTTAGTTGGGGTGATTTAAACAATTGGCTTTGATTATGTCTTTTTAAGCCTGGCTTTAGG-3'
Protein context (NP_001362496.1, residues 977-997): SLSSDSDGLL[Glu987=]VQPNFLSMKE

ClinVar aggregate classification (germline): Uncertain significance (1 of 4 stars; one submission).

gnomAD v4.1: 116 of 1,608,648 alleles (0.0072%); highest among the groups gnomAD compares: Non-Finnish European, 0.0096%; no homozygotes.

Submission:

Labcorp Genetics (formerly Invitae), Labcorp
Classification: Uncertain significance. Last evaluated: 2024-08-05. Review status: criteria provided, single submitter. Criteria: Invitae Variant Classification Sherloc (09022015). Collection method: clinical testing. Allele origin: germline.
Comment: This sequence change affects codon 987 of the FOCAD mRNA. It is a 'silent' change, meaning that it does not change the encoded amino acid sequence of the FOCAD protein. It affects a nucleotide within the consensus splice site. This variant is present in population databases (rs773789800, gnomAD 0.003%). This variant has not been reported in the literature in individuals affected with FOCAD-related conditions. Algorithms developed to predict the effect of sequence changes on RNA splicing suggest that this variant may disrupt the consensus splice site. In summary, the available evidence is currently insufficient to determine the role of this variant in disease. Therefore, it has been classified as a Variant of Uncertain Significance.